The following is an entry in ClinVar:

NM_031935.3(HMCN1):c.16157A>G (p.Gln5386Arg)

Gene: HMCN1 (hemicentin 1; plus strand). Cytogenetic location: 1q31.1.
Variant type: single nucleotide variant.
Coding change: c.16157A>G on transcript NM_031935.3 (MANE Select); coding-DNA position 16157, A replaced by G.
Protein change: p.Gln5386Arg; replaces glutamine 5386 with arginine.
Molecular consequence: missense variant.
Genome position (GRCh38, 1-based): chr1:186,178,629, A>G. VCF-style: chr1-186178629-A-G. GRCh37 (hg19) VCF-style: chr1-186147761-A-G.
Other names: short protein forms Q5386R.
Identifiers: ClinVar variation 1923753 (VCV001923753.5), dbSNP rs1419303088, ClinGen allele CA343938612.

ClinVar aggregate classification (germline): Uncertain significance (1 of 4 stars; one submission).

Allele frequency attached by ClinVar (database versions not stated): gnomAD 0.00001; gnomAD exomes 0.00001; TOPMed 0.00002.
gnomAD v4.1: 10 of 1,614,032 alleles (0.00062%); highest among the groups gnomAD compares: Non-Finnish European, 0.00085%; no homozygotes.

Submission:

Labcorp Genetics (formerly Invitae), Labcorp
Classification: Uncertain significance. Last evaluated: 2022-04-15. Review status: criteria provided, single submitter. Criteria: Invitae Variant Classification Sherloc (09022015). Collection method: clinical testing. Allele origin: germline.
Comment: In summary, the available evidence is currently insufficient to determine the role of this variant in disease. Therefore, it has been classified as a Variant of Uncertain Significance. Algorithms developed to predict the effect of missense changes on protein structure and function (SIFT, PolyPhen-2, Align-GVGD) all suggest that this variant is likely to be tolerated. This variant has not been reported in the literature in individuals affected with HMCN1-related conditions. This variant is present in population databases (no rsID available, gnomAD 0.007%). This sequence change replaces glutamine, which is neutral and polar, with arginine, which is basic and polar, at codon 5386 of the HMCN1 protein (p.Gln5386Arg).